The following is an entry in ClinVar:

NM_001006630.2(CHRM2):c.-282-84G>C

Gene: CHRM2 (cholinergic receptor muscarinic 2; plus strand). Cytogenetic location: 7q33.
Variant type: single nucleotide variant.
Coding change: c.-282-84G>C on transcript NM_001006630.2 (MANE Select); 84 bases into the intron before 282 bases upstream of the start codon, G replaced by C.
Molecular consequence: intron variant.
Genome position (GRCh38, 1-based): chr7:136,869,177, G>C. VCF-style: chr7-136869177-G-C. GRCh37 (hg19) VCF-style: chr7-136553924-G-C.
Other names: c.-394-84G>C (NM_001378972.1); c.-204-84G>C (NM_001006627.3); c.-361+4G>C (NM_001006626.3); c.-283+4G>C (NM_000739.3); c.-205+4G>C (NM_001006632.3); c.-283+60G>C (NM_001006631.3); c.-205+60G>C (NM_001378973.1).
Identifiers: ClinVar variation 511334 (VCV000511334.1), dbSNP rs566459725, ClinGen allele CA167682731.

ClinVar aggregate classification (germline): Likely benign (1 of 4 stars; one submission).

Allele frequency attached by ClinVar (database versions not stated): gnomAD 0.00025; TOPMed 0.00029; 1000 Genomes Project 0.00060; 1000 Genomes Project 30x 0.00078.

Submission:

GeneDx
Classification: Likely benign. Last evaluated: 2017-08-09. Review status: criteria provided, single submitter. Criteria: GeneDx Variant Classification (06012015). Collection method: clinical testing. Allele origin: germline. Affected: yes.
Comment: This variant is considered likely benign or benign based on one or more of the following criteria: it is a conservative change, it occurs at a poorly conserved position in the protein, it is predicted to be benign by multiple in silico algorithms, and/or has population frequency not consistent with disease.